The following is an entry in ClinVar:

NM_000179.3(MSH6):c.644T>G (p.Val215Gly)

Gene: MSH6 (mutS homolog 6; plus strand). Cytogenetic location: 2p16.3.
Variant type: single nucleotide variant.
Coding change: c.644T>G on transcript NM_000179.3 (MANE Select); coding-DNA position 644, T replaced by G.
Protein change: p.Val215Gly; replaces valine 215 with glycine.
Molecular consequence: missense variant. On other transcripts: 5 prime UTR variant (2).
Genome position (GRCh38, 1-based): chr2:47,798,627, T>G. VCF-style: chr2-47798627-T-G. GRCh37 (hg19) VCF-style: chr2-48025766-T-G.
Other names: p.V215G:GTA>GGA; c.254T>G, p.Val85Gly (NM_001281492.2); c.-263T>G (NM_001281493.2, NM_001281494.2); short protein forms V215G, V85G.
Identifiers: ClinVar variation 127603 (VCV000127603.24), dbSNP rs587779946, ClinGen allele CA016108.

ClinVar aggregate classification (germline): Conflicting classifications of pathogenicity. Review status: criteria provided, conflicting classifications (1 of 4 stars). 7 submissions from 7 submitters: Uncertain significance (6); Benign (1). Last evaluated 2026-03-17.

Conditions:
MSH6-related disorder. Also called: MSH6-related condition; MSH6-Related disorders.
Hereditary nonpolyposis colorectal neoplasms. Identifiers: MedGen C0009405, MeSH D003123.
Hereditary cancer-predisposing syndrome. Also called: Neoplastic Syndromes, Hereditary; Tumor predisposition; Hereditary Cancer Syndrome; Hereditary neoplastic syndrome. Identifiers: Orphanet 140162, MedGen C0027672, MeSH D009386, MONDO:0015356.
Lynch syndrome. Identifiers: Orphanet 144, MedGen C4552100, MONDO:0005835. Disease mechanism: loss of function.
Endometrial carcinoma. Also called: Endometrial carcinoma, somatic. Identifiers: MedGen C0476089, MONDO:0002447, OMIM 608089, HP:0012114.

Allele frequency attached by ClinVar (database versions not stated): gnomAD exomes below 0.00001 and 0.00001; ExAC 0.00001; gnomAD 0.00001; TOPMed 0.00002.
gnomAD v4.1: 3 of 1,610,984 alleles (0.00019%); highest among the groups gnomAD compares: East Asian, 0.0045%; no homozygotes.

Submissions (7):

PreventionGenetics, part of Exact Sciences
Classification: Uncertain significance for MSH6-related condition. Last evaluated: 2026-03-17. Review status: criteria provided, single submitter. Criteria: ACMG Guidelines, 2015. Collection method: clinical testing. Allele origin: germline.
Comment: The MSH6 c.644T>G variant is predicted to result in the amino acid substitution p.Val215Gly. This variant has been reported in an individual with colorectal cancer who also showed loss of MSH6 in tumor immunohistochemistry (Jiang et al. 2019. PubMed ID: 30521064) as well as in individuals with breast cancer (Hu et al. 2022. PubMed ID: 35449176). This variant is reported in 0.011% of alleles in individuals of East Asian descent in gnomAD and has classifications ranging from uncertain to benign in ClinVar (Variation ID: 127603). At this time, the clinical significance of this variant is uncertain due to the absence of conclusive functional and genetic evidence.

Ambry Genetics
Classification: Uncertain significance for Hereditary cancer-predisposing syndrome. Last evaluated: 2025-11-24. Review status: criteria provided, single submitter. Criteria: Ambry Variant Classification Scheme 2023. Collection method: clinical testing. Allele origin: germline.
Comment: The p.V215G variant (also known as c.644T>G), located in coding exon 4 of the MSH6 gene, results from a T to G substitution at nucleotide position 644. The valine at codon 215 is replaced by glycine, an amino acid with dissimilar properties. This variant was also detected in a cohort of 8085 consecutive Chinese breast cancer patients (Hu L et al. NPJ Breast Cancer, 2022 Apr;8:52). This amino acid position is poorly conserved in available vertebrate species. In addition, this alteration is predicted to be tolerated by in silico analysis. Since supporting evidence is limited at this time, the clinical significance of this alteration remains unclear.

Labcorp Genetics (formerly Invitae), Labcorp
Classification: Benign for Hereditary nonpolyposis colorectal neoplasms. Last evaluated: 2025-11-09. Review status: criteria provided, single submitter. Criteria: Invitae Variant Classification Sherloc (09022015). Collection method: clinical testing. Allele origin: germline.

All of Us Research Program, National Institutes of Health
Classification: Uncertain significance for Lynch syndrome. Last evaluated: 2024-03-24. Review status: criteria provided, single submitter. Criteria: ACMG Guidelines, 2015. Collection method: clinical testing. Allele origin: germline. Inheritance: Autosomal dominant inheritance. Observed: 2 variant alleles, 2 heterozygotes.
Comment: This missense variant replaces valine with glycine at codon 215 of the MSH6 protein. Computational prediction suggests that this variant may not impact protein structure and function (internally defined REVEL score threshold <= 0.5, PMID: 27666373). To our knowledge, functional studies have not been reported for this variant. This variant has been reported in an individual affected with colorectal cancer (PMID: 30521064), who also carried a different variant in the MSH6 gene, c.3226C>T (p.R1076C), that has been described as likely pathogenic (ClinVar Variation ID: 89357) and could explain the observed phenotype. This variant has been identified in 2/247028 chromosomes in the general population by the Genome Aggregation Database (gnomAD). The available evidence is insufficient to determine the role of this variant in disease conclusively. Therefore, this variant is classified as a Variant of Uncertain Significance.

This study involves interpretation of variants in research participants for the purpose of population health screening. Participant phenotype was not available at the time of variant classification. Additional details can be found in publication PMID: 35346344, PMCID: PMC8962531

Color Diagnostics, LLC DBA Color Health
Classification: Uncertain significance for Hereditary cancer-predisposing syndrome. Last evaluated: 2024-02-14. Review status: criteria provided, single submitter. Criteria: ACMG Guidelines, 2015. Collection method: clinical testing. Allele origin: germline.
Comment: This missense variant replaces valine with glycine at codon 215 of the MSH6 protein. Computational prediction suggests that this variant may not impact protein structure and function (internally defined REVEL score threshold <= 0.5, PMID: 27666373). To our knowledge, functional studies have not been reported for this variant. This variant has been reported in an individual affected with colorectal cancer (PMID: 30521064), who also carried a different variant in the MSH6 gene, c.3226C>T (p.R1076C), that has been described as likely pathogenic (ClinVar Variation ID: 89357) and could explain the observed phenotype. This variant has been identified in 2/247028 chromosomes in the general population by the Genome Aggregation Database (gnomAD). The available evidence is insufficient to determine the role of this variant in disease conclusively. Therefore, this variant is classified as a Variant of Uncertain Significance.

Baylor Genetics
Classification: Uncertain significance for Endometrial carcinoma. Last evaluated: 2023-10-10. Review status: criteria provided, single submitter. Criteria: ACMG Guidelines, 2015. Collection method: clinical testing. Allele origin: unknown.

GeneDx
Classification: Uncertain significance. Last evaluated: 2018-01-12. Review status: criteria provided, single submitter. Criteria: GeneDx Variant Classification (06012015). Collection method: clinical testing. Allele origin: germline. Affected: yes.
Comment: This variant is denoted MSH6 c.644T>G at the cDNA level, p.Val215Gly (V215G) at the protein level, and results in the change of a Valine to a Glycine (GTA>GGA). This variant has not, to our knowledge, been published in the literature as pathogenic or benign. MSH6 Val215Gly was not observed at a significant allele frequency in large population cohorts (Lek 2016). This variant is located the nuclear localization signals (Gassman 2011). In silico analysis, which includes protein predictors and evolutionary conservation, supports that this variant does not alter protein structure/function. Based on currently available evidence, it is unclear whether MSH6 Val215Gly is a pathogenic or benign variant. We consider it to be a variant of uncertain significance.

Literature cited by the submitters: PubMed 30521064 (cited by 3 submitters); PubMed 35449176 (cited by Ambry Genetics).